The following is an entry in ClinVar:

ClinVar aggregate classification (germline): Uncertain significance (1 of 4 stars; one submission).

Submission:

Ambry Genetics
Classification: Uncertain significance. Last evaluated: 2022-05-11. Review status: criteria provided, single submitter. Criteria: Ambry Variant Classification Scheme 2023. Collection method: clinical testing. Allele origin: germline.
Comment: The p.S572A variant (also known as c.1714T>G), located in coding exon 13 of the NPAT gene, results from a T to G substitution at nucleotide position 1714. The serine at codon 572 is replaced by alanine, an amino acid with similar properties. This amino acid position is conserved. In addition, this alteration is predicted to be tolerated by in silico analysis. Since supporting evidence is limited at this time, the clinical significance of this alteration remains unclear.

NM_002519.3(NPAT):c.1714T>G (p.Ser572Ala)

Gene: NPAT (nuclear protein, coactivator of histone transcription; minus strand). Cytogenetic location: 11q22.3.
Variant type: single nucleotide variant.
Coding change: c.1714T>G on transcript NM_002519.3 (MANE Select); coding-DNA position 1714, T replaced by G.
Protein change: p.Ser572Ala; replaces serine 572 with alanine.
Molecular consequence: missense variant.
Genome position (GRCh38, 1-based): chr11:108,173,270, A>C on the plus strand (T>G on the coding strand, the complement: NPAT is on the minus strand). VCF-style: chr11-108173270-A-C. GRCh37 (hg19) VCF-style: chr11-108043997-A-C.
Other names: c.1714T>G, p.Ser572Ala (NM_001321307.1); short protein forms S572A.
Identifiers: ClinVar variation 1778618 (VCV001778618.2), dbSNP rs1004601123, ClinGen allele CA382514525.